The following is an entry in ClinVar:

ClinVar aggregate classification (germline): Uncertain significance. Review status: criteria provided, multiple submitters, no conflicts (2 of 4 stars). 2 submissions from 2 submitters: Uncertain significance (2). Last evaluated 2025-12-21.

Allele frequency attached by ClinVar (database versions not stated): ESP Exome Variant Server 0.00015; TOPMed 0.00025; 1000 Genomes Project 0.00060; 1000 Genomes Project 30x 0.00062.
gnomAD v4.1: 55 of 1,614,066 alleles (0.0034%); highest among the groups gnomAD compares: African/African-American, 0.057%; no homozygotes.

Submissions (2):

Labcorp Genetics (formerly Invitae), Labcorp
Classification: Uncertain significance. Last evaluated: 2025-12-21. Review status: criteria provided, single submitter. Criteria: Invitae Variant Classification Sherloc (09022015). Collection method: clinical testing. Allele origin: germline.
Comment: This sequence change replaces arginine, which is basic and polar, with histidine, which is basic and polar, at codon 242 of the ZNF513 protein (p.Arg242His). This variant is present in population databases (rs150826199, gnomAD 0.06%), and has an allele count higher than expected for a pathogenic variant. This variant has not been reported in the literature in individuals affected with ZNF513-related conditions. ClinVar contains an entry for this variant (Variation ID: 1046242). An algorithm developed to predict the effect of missense changes on protein structure and function outputs the following: PolyPhen-2: "Possibly Damaging". The histidine amino acid residue is found in multiple mammalian species, which suggests that this missense change does not adversely affect protein function. In summary, the available evidence is currently insufficient to determine the role of this variant in disease. Therefore, it has been classified as a Variant of Uncertain Significance.

Blueprint Genetics
Classification: Uncertain significance. Last evaluated: 2024-04-10. Review status: criteria provided, single submitter. Criteria: ACMG Guidelines, 2015. Collection method: clinical testing. Allele origin: germline.

NM_144631.6(ZNF513):c.725G>A (p.Arg242His)

Gene: ZNF513 (zinc finger protein 513; minus strand). Cytogenetic location: 2p23.3.
Variant type: single nucleotide variant.
Coding change: c.725G>A on transcript NM_144631.6 (MANE Select); coding-DNA position 725, G replaced by A.
Protein change: p.Arg242His; replaces arginine 242 with histidine.
Molecular consequence: missense variant.
Genome position (GRCh38, 1-based): chr2:27,378,541, C>T on the plus strand (G>A on the coding strand, the complement: ZNF513 is on the minus strand). VCF-style: chr2-27378541-C-T. GRCh37 (hg19) VCF-style: chr2-27601408-C-T.
Other names: c.539G>A, p.Arg180His (NM_001201459.2); short protein forms R180H, R242H.
Identifiers: ClinVar variation 1046242 (VCV001046242.8), dbSNP rs150826199, ClinGen allele CA1577988.